The following is an entry in ClinVar:

NM_001377458.1(CLCC1):c.8G>A (p.Cys3Tyr)

Gene: CLCC1 (chloride channel CLIC like 1; minus strand). Cytogenetic location: 1p13.3.
Variant type: single nucleotide variant.
Coding change: c.8G>A on transcript NM_001377458.1 (MANE Select); coding-DNA position 8, G replaced by A.
Protein change: p.Cys3Tyr; replaces cysteine 3 with tyrosine.
Molecular consequence: missense variant. On other transcripts: 5 prime UTR variant (1), non-coding transcript variant (1).
Genome position (GRCh38, 1-based): chr1:108,950,430, C>T on the plus strand (G>A on the coding strand, the complement: CLCC1 is on the minus strand). VCF-style: chr1-108950430-C-T. GRCh37 (hg19) VCF-style: chr1-109493052-C-T.
Other names: c.8G>A, p.Cys3Tyr (NM_001048210.3, NM_001278202.2, NM_001278203.1 and 12 more transcripts); c.-455G>A (NM_001377470.1); c.8G>A (NM_001048210.1); short protein forms C3Y.
Identifiers: ClinVar variation 1474793 (VCV001474793.6), dbSNP rs1018157768, ClinGen allele CA28593687.

ClinVar aggregate classification (germline): Uncertain significance. Review status: criteria provided, multiple submitters, no conflicts (2 of 4 stars). 2 submissions from 2 submitters: Uncertain significance (2). Last evaluated 2022-11-07.

Allele frequency attached by ClinVar (database versions not stated): gnomAD exomes below 0.00001.
gnomAD v4.1: 2 of 1,605,202 alleles (0.00012%); highest among the groups gnomAD compares: African/African-American, 0.0013%; no homozygotes.

Submissions (2):

Ambry Genetics
Classification: Uncertain significance. Last evaluated: 2022-11-07. Review status: criteria provided, single submitter. Criteria: Ambry Variant Classification Scheme 2023. Collection method: clinical testing. Allele origin: germline.

Labcorp Genetics (formerly Invitae), Labcorp
Classification: Uncertain significance. Last evaluated: 2022-07-19. Review status: criteria provided, single submitter. Criteria: Invitae Variant Classification Sherloc (09022015). Collection method: clinical testing. Allele origin: germline.
Comment: In summary, the available evidence is currently insufficient to determine the role of this variant in disease. Therefore, it has been classified as a Variant of Uncertain Significance. Algorithms developed to predict the effect of missense changes on protein structure and function output the following: SIFT: "Tolerated"; PolyPhen-2: "Not Available"; Align-GVGD: "Class C0". The tyrosine amino acid residue is found in multiple mammalian species, which suggests that this missense change does not adversely affect protein function. ClinVar contains an entry for this variant (Variation ID: 1474793). This variant has not been reported in the literature in individuals affected with CLCC1-related conditions. This variant is present in population databases (no rsID available, gnomAD 0.003%). This sequence change replaces cysteine, which is neutral and slightly polar, with tyrosine, which is neutral and polar, at codon 3 of the CLCC1 protein (p.Cys3Tyr).